The following is an entry in ClinVar:

NM_001042492.3(NF1):c.7415C>T (p.Pro2472Leu)

Gene: NF1 (neurofibromin 1; plus strand). Cytogenetic location: 17q11.2.
Variant type: single nucleotide variant.
Coding change: c.7415C>T on transcript NM_001042492.3 (MANE Select); coding-DNA position 7415, C replaced by T.
Protein change: p.Pro2472Leu; replaces proline 2472 with leucine.
Molecular consequence: missense variant.
Genome position (GRCh38, 1-based): chr17:31,350,276, C>T. VCF-style: chr17-31350276-C-T. GRCh37 (hg19) VCF-style: chr17-29677294-C-T.
Other names: c.7352C>T, p.Pro2451Leu (NM_000267.4); short protein forms P2451L, P2472L.
Identifiers: ClinVar variation 645606 (VCV000645606.3), dbSNP rs786202184, ClinGen allele CA399017141.
Genomic context (GRCh38, chr17:31,350,276, plus strand): 5'-GCTGCAGCCTAAAACATAGAAAGTCACTTCTTCTTACTGATATTTCAATGGAAAATGTTC[C>T]TATGGATACATATCCCATTCATCATGGTGACCCTTCCTATAGGTAAGTGGATTTACTCTC-3'
Protein context (NP_001035957.1, residues 2462-2482): LLTDISMENV[Pro2472Leu]MDTYPIHHGD

ClinVar aggregate classification (germline): Uncertain significance (1 of 4 stars; one submission).

Conditions:
Neurofibromatosis, type 1 (NF1). Also called: NEUROFIBROMATOSIS, TYPE I, SOMATIC; VON RECKLINGHAUSEN DISEASE; Neurofibromatosis, type I; Peripheral type neurofibromatosis. Identifiers: Orphanet 636, MedGen C0027831, MONDO:0018975, OMIM 162200. Disease mechanism: loss of function.

Submission:

Labcorp Genetics (formerly Invitae), Labcorp
Classification: Uncertain significance for Neurofibromatosis, type 1. Last evaluated: 2021-08-27. Review status: criteria provided, single submitter. Criteria: Invitae Variant Classification Sherloc (09022015). Collection method: clinical testing. Allele origin: germline.
Comment: This sequence change replaces proline with leucine at codon 2451 of the NF1 protein (p.Pro2451Leu). The proline residue is moderately conserved and there is a moderate physicochemical difference between proline and leucine. This variant is not present in population databases (ExAC no frequency). This variant has not been reported in the literature in individuals affected with NF1-related conditions. Algorithms developed to predict the effect of missense changes on protein structure and function are either unavailable or do not agree on the potential impact of this missense change (SIFT: "Deleterious"; PolyPhen-2: "Benign"; Align-GVGD: "Class C0"). In summary, the available evidence is currently insufficient to determine the role of this variant in disease. Therefore, it has been classified as a Variant of Uncertain Significance.